The following is an entry in ClinVar:

NM_001042492.3(NF1):c.4431-2A>G

Gene: NF1 (neurofibromin 1; plus strand). Cytogenetic location: 17q11.2.
Variant type: single nucleotide variant.
Coding change: c.4431-2A>G on transcript NM_001042492.3 (MANE Select); the canonical splice acceptor site of the intron before coding-DNA position 4431, A replaced by G.
Molecular consequence: splice acceptor variant.
Genome position (GRCh38, 1-based): chr17:31,260,367, A>G. VCF-style: chr17-31260367-A-G. GRCh37 (hg19) VCF-style: chr17-29587385-A-G.
Other names: c.4368-2A>G (NM_000267.4).
Identifiers: ClinVar variation 1458055 (VCV001458055.7), dbSNP rs2151464490, ClinGen allele CA398999102.
Genomic context (GRCh38, chr17:31,260,367, plus strand): 5'-ATTCAAACATAAGTCTGGGTGTATCTGGTGTTGAAAATTCTAATGACTTTGCATTTTTGA[A>G]GGTTTTTCCTTGATATAGCATCTGATTGTCCTACAAGTGATGCAGTAAATCATAGTCTTT-3'

ClinVar aggregate classification (germline): Pathogenic/Likely pathogenic. Review status: criteria provided, multiple submitters, no conflicts (2 of 4 stars). 2 submissions from 2 submitters: Pathogenic (1); Likely pathogenic (1). Last evaluated 2022-10-19.

Conditions:
Juvenile myelomonocytic leukemia (JMML). Also called: LEUKEMIA, JUVENILE MYELOMONOCYTIC, SOMATIC. Identifiers: Orphanet 86834, MedGen C0349639, MONDO:0011908, OMIM 607785, HP:0012209.
Neurofibromatosis, type 1 (NF1). Also called: VON RECKLINGHAUSEN DISEASE; Neurofibromatosis, type I; NEUROFIBROMATOSIS, TYPE I, SOMATIC; Peripheral type neurofibromatosis. Identifiers: Orphanet 636, MedGen C0027831, MONDO:0018975, OMIM 162200. Disease mechanism: loss of function.
Neurofibromatosis, familial spinal (FSNF). Identifiers: Orphanet 636, MedGen C1834235, MONDO:0008078, OMIM 162210. Disease mechanism: loss of function.
Neurofibromatosis-Noonan syndrome (NFNS). Also called: NEUROFIBROMATOSIS WITH NOONAN PHENOTYPE. Identifiers: Orphanet 638, MedGen C2931482, MONDO:0011035, OMIM 601321. Disease mechanism: loss of function.
Café-au-lait macules with pulmonary stenosis (WTSN). Also called: PULMONIC STENOSIS WITH CAFE-AU-LAIT SPOTS. Identifiers: MedGen C0553586, MONDO:0008672, OMIM 193520.

Submissions (2):

Labcorp Genetics (formerly Invitae), Labcorp
Classification: Pathogenic for Neurofibromatosis, type 1. Last evaluated: 2022-10-19. Review status: criteria provided, single submitter. Criteria: Invitae Variant Classification Sherloc (09022015). Collection method: clinical testing. Allele origin: germline.
Comment: Disruption of this splice site has been observed in individual(s) with neurofibromatosis, type 1 (PMID: 17311297). ClinVar contains an entry for this variant (Variation ID: 1458055). Studies have shown that disruption of this splice site results in skipping of the first 17 nucleotides of exon 33 and introduces a premature termination codon (PMID: 17311297). The resulting mRNA is expected to undergo nonsense-mediated decay. For these reasons, this variant has been classified as Pathogenic. This variant is not present in population databases (gnomAD no frequency). This sequence change affects an acceptor splice site in intron 32 of the NF1 gene. RNA analysis indicates that disruption of this splice site induces altered splicing and may result in an absent or disrupted protein product.

Juno Genomics, Hangzhou Juno Genomics, Inc
Classification: Likely pathogenic for Café-au-lait macules with pulmonary stenosis; Neurofibromatosis, type 1; Juvenile myelomonocytic leukemia; Neurofibromatosis, familial spinal; Neurofibromatosis-Noonan syndrome. Review status: criteria provided, single submitter. Criteria: ACMG Guidelines, 2015. Collection method: clinical testing. Allele origin: germline. Affected: yes.
Comment: Absent from controls (or at extremely low frequency if recessive) in Genome Aggregation Database.;The prevalence of the variant in affected individuals is significantly increased compared to the prevalence in controls.;Patient's phenotype or family history is highly specific for a disease with a single genetic etiology.;Null variant in a gene where loss of function (LOF) is a known mechanism of disease.

Literature cited by the submitters: PubMed 17311297 (cited by Labcorp Genetics (formerly Invitae), Labcorp).